The following is an entry in ClinVar:

ClinVar aggregate classification (germline): Benign/Likely benign. Review status: criteria provided, multiple submitters, no conflicts (2 of 4 stars). 3 submissions from 3 submitters: Benign (1); Likely benign (1). 1 of the submissions does not count toward it. Last evaluated 2026-07-01.

Conditions:
IARS1-related disorder. Also called: IARS1-related condition.

Allele frequency attached by ClinVar (database versions not stated): TOPMed 0.00036; ESP Exome Variant Server 0.00077; ExAC 0.00104; gnomAD 0.00116 and 0.00124.
gnomAD v4.1: 1,094 of 1,607,282 alleles (0.068%); highest among the groups gnomAD compares: Non-Finnish European, 0.065%; 1 homozygote.

Submissions (3):

CeGaT Center for Human Genetics Tuebingen
Classification: Likely benign. Last evaluated: 2026-07-01. Review status: criteria provided, single submitter. Criteria: CeGaT Center For Human Genetics Tuebingen Variant Classification Criteria Version 2. Collection method: clinical testing. Allele origin: germline. Affected: yes. Observed: 1 variant allele.
Comment: IARS1: BP4

Labcorp Genetics (formerly Invitae), Labcorp
Classification: Benign. Last evaluated: 2025-12-16. Review status: criteria provided, single submitter. Criteria: Invitae Variant Classification Sherloc (09022015). Collection method: clinical testing. Allele origin: germline.

PreventionGenetics, part of Exact Sciences
Classification: Likely benign for IARS1-related condition. Last evaluated: 2022-06-27. Review status: no assertion criteria provided. Collection method: clinical testing. Allele origin: germline. Not counted in ClinVar's aggregate classification.
Comment: This variant is classified as likely benign based on ACMG/AMP sequence variant interpretation guidelines (Richards et al. 2015 PMID: 25741868, with internal and published modifications).

NM_002161.6(IARS1):c.3727G>A (p.Val1243Met)

Gene: IARS1 (isoleucyl-tRNA synthetase 1; minus strand). Cytogenetic location: 9q22.31.
Variant type: single nucleotide variant.
Coding change: c.3727G>A on transcript NM_002161.6 (MANE Select); coding-DNA position 3727, G replaced by A.
Protein change: p.Val1243Met; replaces valine 1243 with methionine.
Molecular consequence: missense variant. On other transcripts: non-coding transcript variant (1).
Genome position (GRCh38, 1-based): chr9:92,210,869, C>T on the plus strand (G>A on the coding strand, the complement: IARS1 is on the minus strand). VCF-style: chr9-92210869-C-T. GRCh37 (hg19) VCF-style: chr9-94973151-C-T.
Other names: c.3652G>A, p.Val1218Met (NM_001374299.1, NM_001374300.1); c.3643G>A, p.Val1215Met (NM_001374301.1); c.3727G>A, p.Val1243Met (NM_013417.4); short protein forms V1215M, V1218M, V1243M.
Identifiers: ClinVar variation 736453 (VCV000736453.10), dbSNP rs144102700, ClinGen allele CA5121759.